The following is an entry in ClinVar:

NM_006279.5(ST3GAL3):c.1099G>A (p.Val367Ile)

Gene: ST3GAL3 (ST3 beta-galactoside alpha-2,3-sialyltransferase 3; plus strand). Cytogenetic location: 1p34.1.
Variant type: single nucleotide variant.
Coding change: c.1099G>A on transcript NM_006279.5 (MANE Select); coding-DNA position 1099, G replaced by A.
Protein change: p.Val367Ile; replaces valine 367 with isoleucine.
Molecular consequence: missense variant. On other transcripts: 3 prime UTR variant (4), non-coding transcript variant (8).
Genome position (GRCh38, 1-based): chr1:43,930,192, G>A. VCF-style: chr1-43930192-G-A. GRCh37 (hg19) VCF-style: chr1-44395864-G-A.
Other names: c.1009G>A, p.Val337Ile (NM_001270459.2); c.1006G>A, p.Val336Ile (NM_001270460.2); c.757G>A, p.Val253Ile (NM_001270461.3); c.664G>A, p.Val222Ile (NM_001270462.3); c.*9G>A (NM_001270463.3, NM_001270464.3, NM_001270466.3); c.*83G>A (NM_001270465.3); c.1340G>A, p.Arg447His (NM_001350619.2); c.1295G>A, p.Arg432His (NM_001350620.2); and 11 more; short protein forms V436I, V367I, R339H, V222I, V253I, V269I, V323I, V336I.
Identifiers: ClinVar variation 571524 (VCV000571524.12), dbSNP rs369157620, ClinGen allele CA814913.

ClinVar aggregate classification (germline): Uncertain significance. Review status: criteria provided, multiple submitters, no conflicts (2 of 4 stars). 2 submissions from 2 submitters: Uncertain significance (2). Last evaluated 2026-01-05.

Conditions:
Early-infantile DEE. Also called: Early infantile epileptic encephalopathy with suppression bursts; Early infantile epileptic encephalopathy; Ohtahara syndrome. Identifiers: Orphanet 1934, MedGen C0393706, MONDO:0800491.
Inborn genetic diseases. Identifiers: MedGen C0950123, MeSH D030342.

Allele frequency attached by ClinVar (database versions not stated): ExAC 0.00002; gnomAD exomes 0.00002; gnomAD 0.00003; TOPMed 0.00006; ESP Exome Variant Server 0.00008.
gnomAD v4.1: 32 of 1,613,840 alleles (0.002%); highest among the groups gnomAD compares: African/African-American, 0.0067%; no homozygotes.

Submissions (2):

Labcorp Genetics (formerly Invitae), Labcorp
Classification: Uncertain significance for Early-infantile DEE. Last evaluated: 2026-01-05. Review status: criteria provided, single submitter. Criteria: Invitae Variant Classification Sherloc (09022015). Collection method: clinical testing. Allele origin: germline.
Comment: This sequence change replaces valine, which is neutral and non-polar, with isoleucine, which is neutral and non-polar, at codon 367 of the ST3GAL3 protein (p.Val367Ile). This variant is present in population databases (rs369157620, gnomAD 0.02%). This variant has not been reported in the literature in individuals affected with ST3GAL3-related conditions. ClinVar contains an entry for this variant (Variation ID: 571524). Invitae Evidence Modeling of protein sequence and biophysical properties (such as structural, functional, and spatial information, amino acid conservation, physicochemical variation, residue mobility, and thermodynamic stability) indicates that this missense variant is not expected to disrupt ST3GAL3 protein function with a negative predictive value of 80%. In summary, the available evidence is currently insufficient to determine the role of this variant in disease. Therefore, it has been classified as a Variant of Uncertain Significance.

Ambry Genetics
Classification: Uncertain significance for Inborn genetic diseases. Last evaluated: 2017-05-05. Review status: criteria provided, single submitter. Criteria: Ambry Variant Classification Scheme 2023. Collection method: clinical testing. Allele origin: germline.
Comment: The p.V367I variant (also known as c.1099G>A), located in coding exon 11 of the ST3GAL3 gene, results from a G to A substitution at nucleotide position 1099. The valine at codon 367 is replaced by isoleucine, an amino acid with highly similar properties. This amino acid position is highly conserved in available vertebrate species. In addition, this alteration is predicted to be tolerated by in silico analysis. Since supporting evidence is limited at this time, the clinical significance of this variant remains unclear.